The following is an entry in ClinVar:

ClinVar aggregate classification (germline): Uncertain significance (1 of 4 stars; one submission).

Conditions:
Familial infantile myasthenia (CMS6). Also called: MYASTHENIC SYNDROME, CONGENITAL, 6, PRESYNAPTIC; MYASTHENIC SYNDROME, PRESYNAPTIC, CONGENITAL, ASSOCIATED WITH EPISODIC APNEA; Congenital myasthenic syndrome type 6. Identifiers: Orphanet 590, MedGen C0393929, MONDO:0009689, OMIM 254210.

Submission:

Labcorp Genetics (formerly Invitae), Labcorp
Classification: Uncertain significance for Familial infantile myasthenia. Last evaluated: 2021-08-20. Review status: criteria provided, single submitter. Criteria: Invitae Variant Classification Sherloc (09022015). Collection method: clinical testing. Allele origin: germline.
Comment: This sequence change replaces proline with arginine at codon 480 of the CHAT protein (p.Pro480Arg). The proline residue is highly conserved and there is a moderate physicochemical difference between proline and arginine. This variant is not present in population databases (ExAC no frequency). This variant has not been reported in the literature in individuals affected with CHAT-related conditions. Advanced modeling of protein sequence and biophysical properties (such as structural, functional, and spatial information, amino acid conservation, physicochemical variation, residue mobility, and thermodynamic stability) performed at Invitae indicates that this missense variant is expected to disrupt CHAT protein function. In summary, the available evidence is currently insufficient to determine the role of this variant in disease. Therefore, it has been classified as a Variant of Uncertain Significance.

NM_020549.5(CHAT):c.1439C>G (p.Pro480Arg)

Gene: CHAT (choline O-acetyltransferase; plus strand). Cytogenetic location: 10q11.23.
Variant type: single nucleotide variant.
Coding change: c.1439C>G on transcript NM_020549.5 (MANE Select); coding-DNA position 1439, C replaced by G.
Protein change: p.Pro480Arg; replaces proline 480 with arginine.
Molecular consequence: missense variant.
Genome position (GRCh38, 1-based): chr10:49,649,564, C>G. VCF-style: chr10-49649564-C-G. GRCh37 (hg19) VCF-style: chr10-50857610-C-G.
Other names: c.1085C>G, p.Pro362Arg (NM_001142929.2, NM_001142934.2, NM_020984.4 and 2 more transcripts); c.1193C>G, p.Pro398Arg (NM_001142933.2); short protein forms P362R, P398R, P480R.
Identifiers: ClinVar variation 1006999 (VCV001006999.6), dbSNP rs1839799283, ClinGen allele CA376743555.